The following is an entry in ClinVar:

ClinVar aggregate classification (germline): Likely benign. Review status: criteria provided, single submitter (1 of 4 stars). 2 submissions from 2 submitters: Likely benign (1). 1 of the submissions does not count toward it. Last evaluated 2024-11-01.

Conditions:
DNAH14-related disorder. Also called: DNAH14-related condition.

Submissions (2):

CeGaT Center for Human Genetics Tuebingen
Classification: Likely benign. Last evaluated: 2024-11-01. Review status: criteria provided, single submitter. Criteria: CeGaT Center For Human Genetics Tuebingen Variant Classification Criteria Version 2. Collection method: clinical testing. Allele origin: germline. Affected: yes. Observed: 1 variant allele.
Comment: DNAH14: BS2

PreventionGenetics, part of Exact Sciences
Classification: Likely benign for DNAH14-related condition. Last evaluated: 2023-08-04. Review status: no assertion criteria provided. Collection method: clinical testing. Allele origin: germline. Not counted in ClinVar's aggregate classification.
Comment: This variant is classified as likely benign based on ACMG/AMP sequence variant interpretation guidelines (Richards et al. 2015 PMID: 25741868, with internal and published modifications).

NM_001367479.1(DNAH14):c.6568dup (p.Ile2190fs)

Gene: DNAH14 (dynein axonemal heavy chain 14; plus strand). Cytogenetic location: 1q42.12.
Variant type: Duplication.
Coding change: c.6568dup on transcript NM_001367479.1 (MANE Select); coding-DNA position 6568, one base duplicated (A; older notation c.6568dupA).
Protein change: p.Ile2190fs; shifts the reading frame from isoleucine 2190.
Molecular consequence: frameshift variant.
Genome position (GRCh38, 1-based): chr1:225,240,642, A duplicated; the last of 5 consecutive A bases (chr1:225,240,638-225,240,642); duplicating any one gives the same sequence. VCF-style (leftmost placement, unchanged base first): chr1-225240637-C-CA. GRCh37 (hg19) VCF-style: chr1-225428339-C-CA.
Other names: NM_001373.1:c.6502dupA; short protein forms I2190fs.
Identifiers: ClinVar variation 3042918 (VCV003042918.16), dbSNP rs546370391, ClinGen allele CA1416234.